The following is an entry in ClinVar:

NM_001042492.3(NF1):c.6427+8C>A

Gene: NF1 (neurofibromin 1; plus strand). Cytogenetic location: 17q11.2.
Variant type: single nucleotide variant.
Coding change: c.6427+8C>A on transcript NM_001042492.3 (MANE Select); 8 bases into the intron after coding-DNA position 6427, C replaced by A.
Molecular consequence: intron variant.
Genome position (GRCh38, 1-based): chr17:31,336,922, C>A. VCF-style: chr17-31336922-C-A. GRCh37 (hg19) VCF-style: chr17-29663940-C-A.
Other names: c.6364+8C>A (NM_000267.4).
Identifiers: ClinVar variation 1652785 (VCV001652785.31), dbSNP rs864622598, ClinGen allele CA2573153832.

ClinVar aggregate classification (germline): Conflicting classifications of pathogenicity. Review status: criteria provided, conflicting classifications (1 of 4 stars). 2 submissions from 2 submitters: Uncertain significance (1); Likely benign (1). Last evaluated 2022-11-01.

Conditions:
Neurofibromatosis, type 1 (NF1). Also called: VON RECKLINGHAUSEN DISEASE; Peripheral type neurofibromatosis; NEUROFIBROMATOSIS, TYPE I, SOMATIC; Neurofibromatosis, type I. Identifiers: Orphanet 636, MedGen C0027831, MONDO:0018975, OMIM 162200. Disease mechanism: loss of function.

gnomAD v4.1: 2 of 1,607,004 alleles (0.00012%); highest among the groups gnomAD compares: Non-Finnish European, 0.00017%; no homozygotes.

Submissions (2):

CeGaT Center for Human Genetics Tuebingen
Classification: Uncertain significance. Last evaluated: 2022-11-01. Review status: criteria provided, single submitter. Criteria: CeGaT Center For Human Genetics Tuebingen Variant Classification Criteria Version 2. Collection method: clinical testing. Allele origin: germline. Affected: yes. Observed: 1 variant allele.
Comment: NF1: PM2, BP4

Labcorp Genetics (formerly Invitae), Labcorp
Classification: Likely benign for Neurofibromatosis, type 1. Last evaluated: 2020-11-11. Review status: criteria provided, single submitter. Criteria: Invitae Variant Classification Sherloc (09022015). Collection method: clinical testing. Allele origin: germline.